The following is an entry in ClinVar:

NM_006231.4(POLE):c.2026+9C>T

Gene: POLE (DNA polymerase epsilon, catalytic subunit; minus strand). Cytogenetic location: 12q24.33.
Variant type: single nucleotide variant.
Coding change: c.2026+9C>T on transcript NM_006231.4 (MANE Select); 9 bases into the intron after coding-DNA position 2026, C replaced by T.
Molecular consequence: intron variant.
Genome position (GRCh38, 1-based): chr12:132,668,626, G>A on the plus strand (C>T on the coding strand, the complement: POLE is on the minus strand). VCF-style: chr12-132668626-G-A. GRCh37 (hg19) VCF-style: chr12-133245212-G-A.
Identifiers: ClinVar variation 372006 (VCV000372006.32), dbSNP rs373790607, ClinGen allele CA6893733.
Genomic context (GRCh38, chr12:132,668,626, plus strand): 5'-TGGAGAAAGGCGGCCGACACTCACCCACCCGTTTCCCACCGAGTGCCCACCCAGGCGGCC[G>A]ACACTCACTGAACTCGCCCCTCCACTGCCAGGCCATCTTCCGCTGGCAGTTTGCTCCAGG-3'

ClinVar aggregate classification (germline): Benign/Likely benign. Review status: criteria provided, multiple submitters, no conflicts (2 of 4 stars). 15 submissions from 15 submitters: Benign (5); Likely benign (5). 5 of the submissions do not count toward it. Last evaluated 2026-02-04.

Conditions:
POLE-related disorder. Also called: POLE-related disorders; POLE-related condition.
Polymerase proofreading-related adenomatous polyposis. Also called: Polymerase proofreading associated polyposis; Polymerase proofreading–associated polyposis (PPAP). Identifiers: Orphanet 447877, MedGen C5202613, MONDO:0018653.
Hereditary cancer-predisposing syndrome. Also called: Hereditary Cancer Syndrome; Hereditary neoplastic syndrome; Tumor predisposition; Neoplastic Syndromes, Hereditary. Identifiers: Orphanet 140162, MedGen C0027672, MeSH D009386, MONDO:0015356.
Colorectal cancer, susceptibility to, 12 (CRCS12). Also called: COLORECTAL CANCER, SUSCEPTIBILITY TO, ON CHROMOSOME 12q24. Identifiers: Orphanet 220460, MedGen C3554460, MONDO:0014038, OMIM 615083.

Allele frequency attached by ClinVar (database versions not stated): ESP Exome Variant Server 0.00031; TOPMed 0.00035; gnomAD 0.00036 and 0.00038; gnomAD exomes 0.00038; ExAC 0.00042.
gnomAD v4.1: 820 of 1,607,200 alleles (0.051%); highest among the groups gnomAD compares: South Asian, 0.13%; 2 homozygotes.

Submissions (15):

Ambry Genetics
Classification: Likely benign for Hereditary cancer-predisposing syndrome. Last evaluated: 2026-02-04. Review status: criteria provided, single submitter. Criteria: Ambry Variant Classification Scheme 2023. Collection method: clinical testing. Allele origin: germline.

Labcorp Genetics (formerly Invitae), Labcorp
Classification: Benign. Last evaluated: 2026-02-02. Review status: criteria provided, single submitter. Criteria: Invitae Variant Classification Sherloc (09022015). Collection method: clinical testing. Allele origin: germline.

Center for Genomic Medicine, Rigshospitalet, Copenhagen University Hospital
Classification: Likely benign. Last evaluated: 2025-03-04. Review status: criteria provided, single submitter. Criteria: ACMG Guidelines, 2015. Collection method: clinical testing. Allele origin: germline.

Institute for Biomarker Research, Medical Diagnostic Laboratories, L.L.C.
Classification: Likely benign for Hereditary cancer-predisposing syndrome. Last evaluated: 2025-01-15. Review status: criteria provided, single submitter. Criteria: ACMG Guidelines, 2015. Collection method: clinical testing. Allele origin: germline.
Comment: The intron variant NM_006231.4(POLE):c.2026+9C>T has not been reported previously as a pathogenic variant, to our knowledge. The c.2026+9C>T variant is not predicted to disrupt the existing donor splice site 7bp upstream by any splice site algorithm. The c.2026+9C>T variant results in a substitution of a base that is not predicted conserved by GERP++ and PhyloP. For these reasons, this variant has been classified as Likely Benign

Blueprint Genetics
Classification: Likely benign. Last evaluated: 2024-08-29. Review status: criteria provided, single submitter. Criteria: ACMG Guidelines, 2015. Collection method: clinical testing. Allele origin: germline.

KCCC/NGS Laboratory, Kuwait Cancer Control Center
Classification: Benign for Colorectal cancer, susceptibility to, 12. Last evaluated: 2023-07-07. Review status: criteria provided, single submitter. Criteria: ACMG Guidelines, 2015. Collection method: clinical testing. Allele origin: germline. Affected: yes.

Women's Health and Genetics/Laboratory Corporation of America, LabCorp
Classification: Benign. Last evaluated: 2023-07-05. Review status: criteria provided, single submitter. Criteria: LabCorp Variant Classification Summary - May 2015. Collection method: clinical testing. Allele origin: germline.

Sema4
Classification: Benign for Hereditary cancer-predisposing syndrome. Last evaluated: 2020-11-30. Review status: criteria provided, single submitter. Criteria: Sema4 Curation Guidelines. Collection method: curation. Allele origin: germline.

Quest Diagnostics Nichols Institute San Juan Capistrano
Classification: Benign. Last evaluated: 2018-12-31. Review status: criteria provided, single submitter. Criteria: Quest Diagnostics criteria. Collection method: clinical testing. Allele origin: germline.

GeneDx
Classification: Likely benign. Last evaluated: 2017-07-19. Review status: criteria provided, single submitter. Criteria: GeneDx Variant Classification (06012015). Collection method: clinical testing. Allele origin: germline. Affected: yes.
Comment: This variant is considered likely benign or benign based on one or more of the following criteria: it is a conservative change, it occurs at a poorly conserved position in the protein, it is predicted to be benign by multiple in silico algorithms, and/or has population frequency not consistent with disease.

PreventionGenetics, part of Exact Sciences
Classification: Benign for POLE-related condition. Last evaluated: 2019-05-15. Review status: no assertion criteria provided. Collection method: clinical testing. Allele origin: germline. Not counted in ClinVar's aggregate classification.
Comment: This variant is classified as benign based on ACMG/AMP sequence variant interpretation guidelines (Richards et al. 2015 PMID: 25741868, with internal and published modifications).

Counsyl
Classification: Likely benign for Colorectal cancer, susceptibility to, 12. Last evaluated: 2016-10-07. Review status: no assertion criteria provided. Collection method: clinical testing. Allele origin: unknown. Not counted in ClinVar's aggregate classification.

Clinical Genetics, Academic Medical Center
Classification: Benign. Review status: no assertion criteria provided. Collection method: clinical testing. Allele origin: germline. Affected: yes. Study: VKGL Data-share Consensus. Not counted in ClinVar's aggregate classification.

Department of Pathology and Laboratory Medicine, Sinai Health System
Classification: Likely benign for Polymerase proofreading-related adenomatous polyposis. Review status: no assertion criteria provided. Collection method: clinical testing. Allele origin: unknown. Affected: yes. Study: The Canadian Open Genetics Repository (COGR). Not counted in ClinVar's aggregate classification.
Comment: The POLE c.2026+9C>T variant was not identified in the literature. The variant was identified in dbSNP (ID: rs373790607) as "With other allele ", and in ClinVar (classified as benign by Invitae; as likely benign Counsyl, GeneDx, Quest Diagnostics Nichols Institute San Juan Capistrano). The variant was identified in control databases in 104 of 276484 chromosomes (1 homozygous) at a frequency of 0.0004 increasing the likelihood this could be a low frequency benign variant (Genome Aggregation Database Feb 27, 2017). The variant was observed in the following populations: African in 5 of 23998 chromosomes (freq: 0.0002), Latino in 10 of 34348 chromosomes (freq: 0.0003), European in 53 of 126330 chromosomes (freq: 0.0004), and South Asian in 36 of 30722 chromosomes (freq: 0.001); it was not observed in the â€šÃ„ÃºOtherâ€šÃ„Ã¹, Ashkenazi Jewish, East Asian, and Finnish populations. The variant occurs outside of the splicing consensus sequence and in silico or computational prediction software programs (SpliceSiteFinder, MaxEntScan, NNSPLICE, GeneSplicer, HumanSpliceFinder) do not predict a difference in splicing. In summary, based on the above information the clinical significance of this variant cannot be determined with certainty at this time although we would lean towards a more benign role for this variant. This variant is classified as likely benign.

Genome Diagnostics Laboratory, Amsterdam University Medical Center
Classification: Likely benign. Review status: no assertion criteria provided. Collection method: clinical testing. Allele origin: germline. Affected: yes. Study: VKGL Data-share Consensus. Not counted in ClinVar's aggregate classification.